The following is an entry in ClinVar:

ClinVar aggregate classification (germline): Benign/Likely benign. Review status: criteria provided, multiple submitters, no conflicts (2 of 4 stars). 4 submissions from 4 submitters: Benign (1); Likely benign (3). Last evaluated 2024-04-19.

Conditions:
Hereditary cancer-predisposing syndrome. Also called: Tumor predisposition; Neoplastic Syndromes, Hereditary; Hereditary Cancer Syndrome; Hereditary neoplastic syndrome. Identifiers: Orphanet 140162, MedGen C0027672, MeSH D009386, MONDO:0015356.
Familial cancer of breast. Also called: BREAST CANCER, FAMILIAL; Hereditary breast cancer; hereditary breast carcinoma. Identifiers: Orphanet 227535, MedGen C0346153, MONDO:0016419, OMIM 114480. Disease mechanism: loss of function.
Ataxia-telangiectasia syndrome (AT). Also called: Cerebello-oculocutaneous telangiectasia; Immunodeficiency with ataxia telangiectasia; ATAXIA-TELANGIECTASIA, COMPLEMENTATION GROUP A; Ataxia-telangiectasia, complementation group D; AT, COMPLEMENTATION GROUP C; ATAXIA-TELANGIECTASIA, FRESNO VARIANT. Identifiers: Orphanet 100, MedGen C0004135, MONDO:0008840, OMIM 208900.

Allele frequency attached by ClinVar (database versions not stated): gnomAD 0.00001; TOPMed 0.00001.
gnomAD v4.1: 1 of 1,611,988 alleles (0.000062%); highest among the groups gnomAD compares: African/African-American, 0.0013%; no homozygotes.

Submissions (4):

Myriad Genetics, Inc.
Classification: Benign for Familial cancer of breast. Last evaluated: 2024-04-19. Review status: criteria provided, single submitter. Criteria: Myriad Autosomal Dominant, Autosomal Recessive and X-Linked Classification Criteria (2023). Collection method: clinical testing. Allele origin: unknown.
Comment: This variant is considered benign. This variant is a silent/synonymous amino acid change and it is not expected to impact splicing.

Labcorp Genetics (formerly Invitae), Labcorp
Classification: Likely benign for Ataxia-telangiectasia syndrome. Last evaluated: 2024-03-27. Review status: criteria provided, single submitter. Criteria: Invitae Variant Classification Sherloc (09022015). Collection method: clinical testing. Allele origin: germline.

Color Diagnostics, LLC DBA Color Health
Classification: Likely benign for Hereditary cancer-predisposing syndrome. Last evaluated: 2018-07-03. Review status: criteria provided, single submitter. Criteria: ACMG Guidelines, 2015. Collection method: clinical testing. Allele origin: germline.

Ambry Genetics
Classification: Likely benign for Hereditary cancer-predisposing syndrome. Last evaluated: 2016-04-06. Review status: criteria provided, single submitter. Criteria: Ambry Variant Classification Scheme 2023. Collection method: clinical testing. Allele origin: germline.

NM_000051.4(ATM):c.366T>C (p.Asn122=)

Gene: ATM (ATM serine/threonine kinase; plus strand). Cytogenetic location: 11q22.3.
Variant type: single nucleotide variant.
Coding change: c.366T>C on transcript NM_000051.4 (MANE Select); coding-DNA position 366, T replaced by C.
Protein change: p.Asn122=; no amino-acid change (asparagine 122 retained).
Molecular consequence: synonymous variant.
Genome position (GRCh38, 1-based): chr11:108,235,704, T>C. VCF-style: chr11-108235704-T-C. GRCh37 (hg19) VCF-style: chr11-108106431-T-C.
Other names: c.366T>C, p.Asn122= (NM_001351834.2).
Identifiers: ClinVar variation 478970 (VCV000478970.15), dbSNP rs1178025248, ClinGen allele CA476670357.